The following is an entry in ClinVar:

NM_001375808.2(LPIN2):c.2535A>C (p.Gly845=)

Gene: LPIN2 (lipin 2; minus strand). Cytogenetic location: 18p11.31.
Variant type: single nucleotide variant.
Coding change: c.2535A>C on transcript NM_001375808.2 (MANE Select); coding-DNA position 2535, A replaced by C.
Protein change: p.Gly845=; no amino-acid change (glycine 845 retained).
Molecular consequence: synonymous variant.
Genome position (GRCh38, 1-based): chr18:2,920,789, T>G on the plus strand (A>C on the coding strand, the complement: LPIN2 is on the minus strand). VCF-style: chr18-2920789-T-G. GRCh37 (hg19) VCF-style: chr18-2920787-T-G.
Other names: c.2535A>C, p.Gly845= (NM_001375809.1, NM_014646.2).
Identifiers: ClinVar variation 387742 (VCV000387742.41), dbSNP rs186864136, ClinGen allele CA8872695.

ClinVar aggregate classification (germline): Conflicting classifications of pathogenicity. Review status: criteria provided, conflicting classifications (1 of 4 stars). 8 submissions from 8 submitters: Uncertain significance (2); Likely benign (5). 1 of the submissions does not count toward it. Last evaluated 2025-10-16.

Conditions:
Majeed syndrome (MJDS). Also called: CHRONIC RECURRENT MULTIFOCAL OSTEOMYELITIS 1, WITH CONGENITAL DYSERYTHROPOIETIC ANEMIA, WITH OR WITHOUT NEUTROPHILIC DERMATOSIS; LPIN2-Related Majeed Syndrome. Identifiers: Orphanet 77297, MedGen C1864997, MONDO:0012316, OMIM 609628.
LPIN2-related disorder. Also called: LPIN2-related condition.
Autoinflammatory syndrome. Identifiers: Orphanet 93665, MedGen C3890737, MONDO:0019751.

Allele frequency attached by ClinVar (database versions not stated): gnomAD 0.00011 and 0.00012; ESP Exome Variant Server 0.00008; gnomAD exomes 0.00015 and 0.00017; TOPMed 0.00015; 1000 Genomes Project 30x 0.00016; ExAC 0.00016; 1000 Genomes Project 0.00020.
gnomAD v4.1: 267 of 1,613,796 alleles (0.017%); highest among the groups gnomAD compares: Non-Finnish European, 0.02%; no homozygotes.

Submissions (8):

Labcorp Genetics (formerly Invitae), Labcorp
Classification: Likely benign for Majeed syndrome. Last evaluated: 2025-10-16. Review status: criteria provided, single submitter. Criteria: Invitae Variant Classification Sherloc (09022015). Collection method: clinical testing. Allele origin: germline.

CeGaT Center for Human Genetics Tuebingen
Classification: Likely benign. Last evaluated: 2025-06-01. Review status: criteria provided, single submitter. Criteria: CeGaT Center For Human Genetics Tuebingen Variant Classification Criteria Version 2. Collection method: clinical testing. Allele origin: germline. Affected: yes. Observed: 1 variant allele.
Comment: LPIN2: BP4, BP7

Blueprint Genetics
Classification: Likely benign. Last evaluated: 2024-11-20. Review status: criteria provided, single submitter. Criteria: ACMG Guidelines, 2015. Collection method: clinical testing. Allele origin: germline.

GeneDx
Classification: Likely benign. Last evaluated: 2020-10-23. Review status: criteria provided, single submitter. Criteria: GeneDx Variant Classification Process June 2021. Collection method: clinical testing. Allele origin: germline. Affected: yes.

Genome Diagnostics Laboratory, The Hospital for Sick Children
Classification: Uncertain significance for Autoinflammatory syndrome. Last evaluated: 2020-10-16. Review status: criteria provided, single submitter. Criteria: ACMG Guidelines, 2015. Collection method: clinical testing. Allele origin: germline. Affected: yes.

ARUP Laboratories, Molecular Genetics and Genomics, ARUP Laboratories
Classification: Likely benign for Majeed syndrome. Last evaluated: 2020-02-14. Review status: criteria provided, single submitter. Criteria: ARUP Molecular Germline Variant Investigation Process. Collection method: clinical testing. Allele origin: germline.

Illumina Laboratory Services, Illumina
Classification: Uncertain significance for Majeed syndrome. Last evaluated: 2018-01-13. Review status: criteria provided, single submitter. Criteria: ICSL Variant Classification Criteria 13 December 2019. Collection method: clinical testing. Allele origin: germline.

PreventionGenetics, part of Exact Sciences
Classification: Likely benign for LPIN2-related condition. Last evaluated: 2020-05-04. Review status: no assertion criteria provided. Collection method: clinical testing. Allele origin: germline. Not counted in ClinVar's aggregate classification.
Comment: This variant is classified as likely benign based on ACMG/AMP sequence variant interpretation guidelines (Richards et al. 2015 PMID: 25741868, with internal and published modifications).